The following is an entry in ClinVar:

NM_003998.4(NFKB1):c.643C>T (p.Leu215Phe)

Gene: NFKB1 (nuclear factor kappa B subunit 1; plus strand). Cytogenetic location: 4q24.
Variant type: single nucleotide variant.
Coding change: c.643C>T on transcript NM_003998.4 (MANE Select); coding-DNA position 643, C replaced by T.
Protein change: p.Leu215Phe; replaces leucine 215 with phenylalanine.
Molecular consequence: missense variant.
Genome position (GRCh38, 1-based): chr4:102,578,952, C>T. VCF-style: chr4-102578952-C-T. GRCh37 (hg19) VCF-style: chr4-103500109-C-T.
Other names: c.640C>T, p.Leu214Phe (NM_001165412.2, NM_001319226.2, NM_001382627.1); c.643C>T, p.Leu215Phe (NM_001382625.1, NM_001382626.1); c.601C>T, p.Leu201Phe (NM_001382628.1); short protein forms L215F, L214F, L201F.
Identifiers: ClinVar variation 4776657 (VCV004776657.1).

ClinVar aggregate classification (germline): Uncertain significance (1 of 4 stars; one submission).

Submission:

Labcorp Genetics (formerly Invitae), Labcorp
Classification: Uncertain significance. Last evaluated: 2025-06-22. Review status: criteria provided, single submitter. Criteria: Invitae Variant Classification Sherloc (09022015). Collection method: clinical testing. Allele origin: germline.
Comment: This sequence change replaces leucine, which is neutral and non-polar, with phenylalanine, which is neutral and non-polar, at codon 215 of the NFKB1 protein (p.Leu215Phe). This variant is not present in population databases (gnomAD no frequency). This variant has not been reported in the literature in individuals affected with NFKB1-related conditions. Invitae Evidence Modeling of protein sequence and biophysical properties (such as structural, functional, and spatial information, amino acid conservation, physicochemical variation, residue mobility, and thermodynamic stability) indicates that this missense variant is expected to disrupt NFKB1 protein function with a positive predictive value of 80%. In summary, the available evidence is currently insufficient to determine the role of this variant in disease. Therefore, it has been classified as a Variant of Uncertain Significance.